The following is an entry in ClinVar:

NM_002485.5(NBN):c.867G>C (p.Trp289Cys)

Gene: NBN (nibrin; minus strand). Cytogenetic location: 8q21.3.
Variant type: single nucleotide variant.
Coding change: c.867G>C on transcript NM_002485.5 (MANE Select); coding-DNA position 867, G replaced by C.
Protein change: p.Trp289Cys; replaces tryptophan 289 with cysteine.
Molecular consequence: missense variant.
Genome position (GRCh38, 1-based): chr8:89,970,393, C>G on the plus strand (G>C on the coding strand, the complement: NBN is on the minus strand). VCF-style: chr8-89970393-C-G. GRCh37 (hg19) VCF-style: chr8-90982621-C-G.
Other names: c.621G>C, p.Trp207Cys (NM_001024688.3, NM_001440379.1, NM_001440380.1); short protein forms W207C, W289C.
Identifiers: ClinVar variation 5025408 (VCV005025408.1).

ClinVar aggregate classification (germline): Uncertain significance (1 of 4 stars; one submission).

Conditions:
Hereditary cancer-predisposing syndrome. Also called: Neoplastic Syndromes, Hereditary; Tumor predisposition; Hereditary neoplastic syndrome; Hereditary Cancer Syndrome. Identifiers: Orphanet 140162, MedGen C0027672, MeSH D009386, MONDO:0015356.

Submission:

Ambry Genetics
Classification: Uncertain significance for Hereditary cancer-predisposing syndrome. Last evaluated: 2026-07-06. Review status: criteria provided, single submitter. Criteria: Ambry Variant Classification Scheme 2023. Collection method: clinical testing. Allele origin: germline.
Comment: The p.W289C variant (also known as c.867G>C), located in coding exon 7 of the NBN gene, results from a G to C substitution at nucleotide position 867. The tryptophan at codon 289 is replaced by cysteine, an amino acid with highly dissimilar properties. This amino acid position is conserved. In addition, this alteration is predicted to be tolerated by in silico analysis. Based on the available evidence, the clinical significance of this variant remains unclear.